The following is an entry in ClinVar:

ClinVar aggregate classification (germline): Uncertain significance (1 of 4 stars; one submission).

Submission:

GeneDx
Classification: Uncertain significance. Last evaluated: 2017-01-06. Review status: criteria provided, single submitter. Criteria: GeneDx Variant Classification (06012015). Collection method: clinical testing. Allele origin: germline. Affected: yes.
Comment: The N401K variant in the NLGN4Y gene has not been reported previously as a pathogenic variant, nor as a benign variant, to our knowledge. The N401K variant was not observed in the Exome Aggregation Consortium (ExAC) data set, indicating it is not a common benign variant (Lek et al., 2016). The N401K variant is a semi-conservative amino acid substitution, which may impact secondary protein structure as these residues differ in some properties. This substitution occurs at a position that is conserved in mammals. In silico analysis predicts this variant is probably damaging to the protein structure/function. We interpret N401K as a variant of uncertain significance.

NM_001365588.1(NLGN4Y):c.1263C>A (p.Asn421Lys)

Gene: NLGN4Y (neuroligin 4 Y-linked; plus strand). Cytogenetic location: Yq11.221.
Variant type: single nucleotide variant.
Coding change: c.1263C>A on transcript NM_001365588.1 (MANE Select); coding-DNA position 1263, C replaced by A.
Protein change: p.Asn421Lys; replaces asparagine 421 with lysine.
Molecular consequence: missense variant.
Genome position (GRCh38, 1-based): chrY:14,830,121, C>A. VCF-style: chrY-14830121-C-A. GRCh37 (hg19) VCF-style: chrY-16942001-C-A.
Other names: c.699C>A, p.Asn233Lys (NM_001206850.2); c.1263C>A, p.Asn421Lys (NM_001365584.1, NM_001365586.1, NM_001394830.1); c.1203C>A, p.Asn401Lys (NM_001365590.1, NM_001365591.1, NM_001365592.1 and 3 more transcripts); short protein forms N401K, N233K, N421K.
Identifiers: ClinVar variation 391879 (VCV000391879.2), dbSNP rs1057524272, ClinGen allele CA16609219.